The following is an entry in ClinVar:

NM_000098.3(CPT2):c.268G>A (p.Gly90Arg)

Gene: CPT2 (carnitine palmitoyltransferase 2; plus strand). Cytogenetic location: 1p32.3.
Variant type: single nucleotide variant.
Coding change: c.268G>A on transcript NM_000098.3 (MANE Select); coding-DNA position 268, G replaced by A.
Protein change: p.Gly90Arg; replaces glycine 90 with arginine.
Molecular consequence: missense variant.
Genome position (GRCh38, 1-based): chr1:53,202,357, G>A. VCF-style: chr1-53202357-G-A. GRCh37 (hg19) VCF-style: chr1-53668029-G-A.
Other names: c.268G>A, p.Gly90Arg (NM_001330589.2); short protein forms G90R.
Identifiers: ClinVar variation 2096191 (VCV002096191.4), dbSNP rs1274919943, ClinGen allele CA340389507.

ClinVar aggregate classification (germline): Uncertain significance (1 of 4 stars; one submission).

Conditions:
Carnitine palmitoyltransferase II deficiency. Also called: Carnitine Palmitoyltransferase 2 Deficiency. Identifiers: Orphanet 157, MedGen C0342790, MONDO:0015515.

Allele frequency attached by ClinVar (database versions not stated): gnomAD exomes below 0.00001.
gnomAD v4.1: 1 of 1,614,064 alleles (0.000062%); highest among the groups gnomAD compares: South Asian, 0.0011%; no homozygotes.

Submission:

Labcorp Genetics (formerly Invitae), Labcorp
Classification: Uncertain significance for Carnitine palmitoyltransferase II deficiency. Last evaluated: 2022-02-10. Review status: criteria provided, single submitter. Criteria: Invitae Variant Classification Sherloc (09022015). Collection method: clinical testing. Allele origin: germline.
Comment: This variant has not been reported in the literature in individuals affected with CPT2-related conditions. This sequence change replaces glycine, which is neutral and non-polar, with arginine, which is basic and polar, at codon 90 of the CPT2 protein (p.Gly90Arg). This variant is not present in population databases (gnomAD no frequency). In summary, the available evidence is currently insufficient to determine the role of this variant in disease. Therefore, it has been classified as a Variant of Uncertain Significance. Algorithms developed to predict the effect of missense changes on protein structure and function are either unavailable or do not agree on the potential impact of this missense change (SIFT: "Deleterious"; PolyPhen-2: "Probably Damaging"; Align-GVGD: "Class C0").